The following is an entry in ClinVar:

NM_004168.4(SDHA):c.896-11G>A

Gene: SDHA (succinate dehydrogenase complex flavoprotein subunit A; plus strand). Cytogenetic location: 5p15.33.
Variant type: single nucleotide variant.
Coding change: c.896-11G>A on transcript NM_004168.4 (MANE Select); 11 bases into the intron before coding-DNA position 896, G replaced by A.
Molecular consequence: intron variant.
Genome position (GRCh38, 1-based): chr5:233,466, G>A. VCF-style: chr5-233466-G-A. GRCh37 (hg19) VCF-style: chr5-233581-G-A.
Other names: c.896-11G>A (NM_001330758.2); c.752-11G>A (NM_001294332.2).
Identifiers: ClinVar variation 3904409 (VCV003904409.1).
Genomic context (GRCh38, chr5:233,466, plus strand): 5'-TGAAAAAAATAATGCATTTGAAATAGAGATCTAGCAATTGTTAGGTAATAAATATGTGTG[G>A]TTTTTTGCAGGCATATATGGTGCTGGTTGTCTCATTACGGAAGGATGTCGTGGAGAGGGA-3'

ClinVar aggregate classification (germline): Likely benign (1 of 4 stars; one submission).

Conditions:
Pheochromocytoma/paraganglioma syndrome 5. Also called: Paragangliomas 5; SDHA-Related Hereditary Paraganglioma-Pheochromocytoma Syndrome. Identifiers: Orphanet 29072, MedGen C3279992, MONDO:0013602, OMIM 614165.

gnomAD v4.1: 2 of 1,613,698 alleles (0.00012%); highest among the groups gnomAD compares: African/African-American, 0.0027%; no homozygotes.

Submission:

Myriad Genetics, Inc.
Classification: Likely benign for Pheochromocytoma/paraganglioma syndrome 5. Last evaluated: 2025-03-03. Review status: criteria provided, single submitter. Criteria: Myriad Autosomal Dominant, Autosomal Recessive and X-Linked Classification Criteria (2023). Collection method: clinical testing. Allele origin: unknown.
Comment: This variant is considered likely benign. This variant is intronic and is not expected to impact mRNA splicing.